The following is an entry in ClinVar:

NM_000465.4(BARD1):c.1395+14T>A

Gene: BARD1 (BRCA1 associated RING domain 1; minus strand). Cytogenetic location: 2q35.
Variant type: single nucleotide variant.
Coding change: c.1395+14T>A on transcript NM_000465.4 (MANE Select); 14 bases into the intron after coding-DNA position 1395, T replaced by A.
Molecular consequence: intron variant.
Genome position (GRCh38, 1-based): chr2:214,769,218, A>T on the plus strand (T>A on the coding strand, the complement: BARD1 is on the minus strand). VCF-style: chr2-214769218-A-T. GRCh37 (hg19) VCF-style: chr2-215633942-A-T.
Other names: c.364+23079T>A (NM_001282549.2); c.159-16663T>A (NM_001282548.2); c.1338+14T>A (NM_001282543.2); c.216-16663T>A (NM_001282545.2); c.1395+14T>A (LRG_297t1, NM_000465.2).
Identifiers: ClinVar variation 627937 (VCV000627937.7), dbSNP rs781216748, ClinGen allele CA539520490.

ClinVar aggregate classification (germline): Uncertain significance. Review status: criteria provided, multiple submitters, no conflicts (2 of 4 stars). 3 submissions from 3 submitters: Uncertain significance (3). Last evaluated 2024-01-09.

Conditions:
Hereditary cancer-predisposing syndrome. Also called: Neoplastic Syndromes, Hereditary; Tumor predisposition; Hereditary neoplastic syndrome; Hereditary Cancer Syndrome. Identifiers: Orphanet 140162, MedGen C0027672, MeSH D009386, MONDO:0015356.
Familial cancer of breast. Also called: BREAST CANCER, FAMILIAL; Hereditary breast cancer; hereditary breast carcinoma. Identifiers: Orphanet 227535, MedGen C0346153, MONDO:0016419, OMIM 114480. Disease mechanism: loss of function.

gnomAD v4.1: 1 of 1,601,302 alleles (0.000062%); highest among the groups gnomAD compares: Admixed American, 0.0017%; no homozygotes.

Submissions (3):

Labcorp Genetics (formerly Invitae), Labcorp
Classification: Uncertain significance for Familial cancer of breast. Last evaluated: 2024-01-09. Review status: criteria provided, single submitter. Criteria: Invitae Variant Classification Sherloc (09022015). Collection method: clinical testing. Allele origin: germline.
Comment: This sequence change falls in intron 5 of the BARD1 gene. It does not directly change the encoded amino acid sequence of the BARD1 protein. This variant is present in population databases (no rsID available, gnomAD 0.003%). This variant has not been reported in the literature in individuals affected with BARD1-related conditions. ClinVar contains an entry for this variant (Variation ID: 627937). Algorithms developed to predict the effect of sequence changes on RNA splicing suggest that this variant may disrupt the consensus splice site. In summary, the available evidence is currently insufficient to determine the role of this variant in disease. Therefore, it has been classified as a Variant of Uncertain Significance.

Ambry Genetics
Classification: Uncertain significance for Hereditary cancer-predisposing syndrome. Last evaluated: 2023-02-22. Review status: criteria provided, single submitter. Criteria: Ambry General Variant Classification Scheme_2022. Collection method: clinical testing. Allele origin: germline.
Comment: The c.1395+14T>A intronic variant results from a T to A substitution 14 nucleotides after coding exon 5 in the BARD1 gene. This nucleotide position is well conserved in available vertebrate species. In silico splice site analysis predicts that this alteration will result in the creation or strengthening of a novel splice donor site; however, direct evidence is insufficient at this time (Ambry internal data). Since supporting evidence is limited at this time, the clinical significance of this alteration remains unclear.

Color Diagnostics, LLC DBA Color Health
Classification: Uncertain significance for Hereditary cancer-predisposing syndrome. Last evaluated: 2019-04-03. Review status: criteria provided, single submitter. Criteria: ACMG Guidelines, 2015. Collection method: clinical testing. Allele origin: germline.